The following is an entry in ClinVar:

NM_002439.5(MSH3):c.2778A>C (p.Glu926Asp)

Gene: MSH3 (mutS homolog 3; plus strand). Cytogenetic location: 5q14.1.
Variant type: single nucleotide variant.
Coding change: c.2778A>C on transcript NM_002439.5 (MANE Select); coding-DNA position 2778, A replaced by C.
Protein change: p.Glu926Asp; replaces glutamic acid 926 with aspartic acid.
Molecular consequence: missense variant.
Genome position (GRCh38, 1-based): chr5:80,813,706, A>C. VCF-style: chr5-80813706-A-C. GRCh37 (hg19) VCF-style: chr5-80109525-A-C.
Other names: short protein forms E926D.
Identifiers: ClinVar variation 1795869 (VCV001795869.2), dbSNP rs2546797425, ClinGen allele CA360274056.

ClinVar aggregate classification (germline): Uncertain significance (1 of 4 stars; one submission).

Conditions:
Hereditary cancer-predisposing syndrome. Also called: Tumor predisposition; Hereditary Cancer Syndrome; Neoplastic Syndromes, Hereditary; Hereditary neoplastic syndrome. Identifiers: Orphanet 140162, MedGen C0027672, MeSH D009386, MONDO:0015356.

Submission:

Ambry Genetics
Classification: Uncertain significance for Hereditary cancer-predisposing syndrome. Last evaluated: 2021-12-10. Review status: criteria provided, single submitter. Criteria: Ambry Variant Classification Scheme 2023. Collection method: clinical testing. Allele origin: germline.
Comment: The p.E926D variant (also known as c.2778A>C), located in coding exon 20 of the MSH3 gene, results from an A to C substitution at nucleotide position 2778. The glutamic acid at codon 926 is replaced by aspartic acid, an amino acid with highly similar properties. This amino acid position is conserved. In addition, this alteration is predicted to be tolerated by in silico analysis. Since supporting evidence is limited at this time, the clinical significance of this alteration remains unclear.